The following is an entry in ClinVar:

NM_016628.5(WAC):c.640A>G (p.Ser214Gly)

Gene: WAC (WW domain containing adaptor with coiled-coil; plus strand). Cytogenetic location: 10p12.1.
Variant type: single nucleotide variant.
Coding change: c.640A>G on transcript NM_016628.5 (MANE Select); coding-DNA position 640, A replaced by G.
Protein change: p.Ser214Gly; replaces serine 214 with glycine.
Molecular consequence: missense variant. On other transcripts: intron variant (1).
Genome position (GRCh38, 1-based): chr10:28,595,762, A>G. VCF-style: chr10-28595762-A-G. GRCh37 (hg19) VCF-style: chr10-28884691-A-G.
Other names: c.505A>G, p.Ser169Gly (NM_100264.3); c.610+4930A>G (NM_100486.4); short protein forms S169G, S214G.
Identifiers: ClinVar variation 2462860 (VCV002462860.25), dbSNP rs770867005, ClinGen allele CA5454861.

ClinVar aggregate classification (germline): Likely benign. Review status: criteria provided, multiple submitters, no conflicts (2 of 4 stars). 3 submissions from 3 submitters: Likely benign (3). Last evaluated 2024-01-01.

Conditions:
Inborn genetic diseases. Identifiers: MedGen C0950123, MeSH D030342.

Allele frequency attached by ClinVar (database versions not stated): gnomAD exomes 0.00002; ExAC 0.00003; gnomAD 0.00003; TOPMed 0.00003.
gnomAD v4.1: 34 of 1,614,050 alleles (0.0021%); highest among the groups gnomAD compares: Middle Eastern, 0.033%; no homozygotes.

Submissions (3):

CeGaT Center for Human Genetics Tuebingen
Classification: Likely benign. Last evaluated: 2024-01-01. Review status: criteria provided, single submitter. Criteria: CeGaT Center For Human Genetics Tuebingen Variant Classification Criteria Version 2. Collection method: clinical testing. Allele origin: germline. Affected: yes. Observed: 1 variant allele.
Comment: WAC: BP4

Ambry Genetics
Classification: Likely benign for Inborn genetic diseases. Last evaluated: 2023-02-15. Review status: criteria provided, single submitter. Criteria: Ambry Variant Classification Scheme 2023. Collection method: clinical testing. Allele origin: germline.

Breakthrough Genomics
Classification: Likely benign. Review status: criteria provided, single submitter. Criteria: ACMG Guidelines, 2015. Collection method: not provided. Allele origin: germline. Inheritance: Autosomal dominant inheritance. Affected: yes.